The following is an entry in ClinVar:

ClinVar aggregate classification (germline): Uncertain significance (1 of 4 stars; one submission).

gnomAD v4.1: 1 of 1,613,926 alleles (0.000062%); highest among the groups gnomAD compares: East Asian, 0.0022%; no homozygotes.

Submission:

Labcorp Genetics (formerly Invitae), Labcorp
Classification: Uncertain significance. Last evaluated: 2025-12-15. Review status: criteria provided, single submitter. Criteria: Invitae Variant Classification Sherloc (09022015). Collection method: clinical testing. Allele origin: germline.
Comment: This sequence change replaces alanine, which is neutral and non-polar, with valine, which is neutral and non-polar, at codon 338 of the FAT1 protein (p.Ala338Val). This variant is not present in population databases (gnomAD no frequency). This variant has not been reported in the literature in individuals affected with FAT1-related conditions. An algorithm developed to predict the effect of missense changes on protein structure and function (PolyPhen-2) suggests that this variant is likely to be disruptive. In summary, the available evidence is currently insufficient to determine the role of this variant in disease. Therefore, it has been classified as a Variant of Uncertain Significance.

NM_005245.4(FAT1):c.1013C>T (p.Ala338Val)

Gene: FAT1 (FAT atypical cadherin 1; minus strand). Cytogenetic location: 4q35.2.
Variant type: single nucleotide variant.
Coding change: c.1013C>T on transcript NM_005245.4 (MANE Select); coding-DNA position 1013, C replaced by T.
Protein change: p.Ala338Val; replaces alanine 338 with valine.
Molecular consequence: missense variant.
Genome position (GRCh38, 1-based): chr4:186,708,815, G>A on the plus strand (C>T on the coding strand, the complement: FAT1 is on the minus strand). VCF-style: chr4-186708815-G-A. GRCh37 (hg19) VCF-style: chr4-187629969-G-A.
Other names: c.1013C>T, p.Ala338Val (NM_001440455.1, NM_001440456.1, NM_001440457.1); short protein forms A338V.
Identifiers: ClinVar variation 4732750 (VCV004732750.1).